The following is an entry in ClinVar:

NM_001048174.2(MUTYH):c.459T>C (p.Ser153=)

Gene: MUTYH (mutY DNA glycosylase; minus strand). Cytogenetic location: 1p34.1.
Variant type: single nucleotide variant.
Coding change: c.459T>C on transcript NM_001048174.2 (MANE Select); coding-DNA position 459, T replaced by C.
Protein change: p.Ser153=; no amino-acid change (serine 153 retained).
Molecular consequence: synonymous variant. On other transcripts: non-coding transcript variant (2).
Genome position (GRCh38, 1-based): chr1:45,332,796, A>G on the plus strand (T>C on the coding strand, the complement: MUTYH is on the minus strand). VCF-style: chr1-45332796-A-G. GRCh37 (hg19) VCF-style: chr1-45798468-A-G.
Other names: c.459T>C, p.Ser153= (NM_001048171.2, NM_001048173.2, NM_001293195.2); c.462T>C, p.Ser154= (NM_001048172.2); c.543T>C, p.Ser181= (NM_001128425.2); c.504T>C, p.Ser168= (NM_001293190.2); c.492T>C, p.Ser164= (NM_001293191.2); c.183T>C, p.Ser61= (NM_001293192.2, NM_001293196.2); c.114T>C, p.Ser38= (NM_001350650.2, NM_001350651.2); c.534T>C, p.Ser178= (NM_012222.3).
Identifiers: ClinVar variation 464731 (VCV000464731.16), dbSNP rs1553128898, ClinGen allele CA340135682.

ClinVar aggregate classification (germline): Likely benign. Review status: criteria provided, multiple submitters, no conflicts (2 of 4 stars). 4 submissions from 4 submitters: Likely benign (4). Last evaluated 2025-01-07.

Conditions:
Hereditary cancer-predisposing syndrome. Also called: Neoplastic Syndromes, Hereditary; Tumor predisposition; Hereditary neoplastic syndrome; Hereditary Cancer Syndrome. Identifiers: Orphanet 140162, MedGen C0027672, MeSH D009386, MONDO:0015356.
Familial adenomatous polyposis 2. Also called: COLORECTAL ADENOMATOUS POLYPOSIS, AUTOSOMAL RECESSIVE; ADENOMAS, MULTIPLE COLORECTAL, AUTOSOMAL RECESSIVE; MUTYH-associated polyposis; FAP type 2; MUTYH-related attenuated familial adenomatous polyposis; Adenomas, multiple colorectal. Identifiers: Orphanet 220460, Orphanet 247798, MedGen C3272841, MONDO:0012041, OMIM 608456.

Allele frequency attached by ClinVar (database versions not stated): gnomAD exomes below 0.00001; TOPMed below 0.00001.
gnomAD v4.1: 2 of 1,614,102 alleles (0.00012%); highest among the groups gnomAD compares: Non-Finnish European, 0.00017%; no homozygotes.

Submissions (4):

Labcorp Genetics (formerly Invitae), Labcorp
Classification: Likely benign for Familial adenomatous polyposis 2. Last evaluated: 2025-01-07. Review status: criteria provided, single submitter. Criteria: Invitae Variant Classification Sherloc (09022015). Collection method: clinical testing. Allele origin: germline.

All of Us Research Program, National Institutes of Health
Classification: Likely benign for Familial adenomatous polyposis 2. Last evaluated: 2024-01-11. Review status: criteria provided, single submitter. Criteria: ACMG Guidelines, 2015. Collection method: clinical testing. Allele origin: germline. Inheritance: Autosomal recessive inheritance. Observed: 1 variant allele, 1 heterozygote.
Comment: This study involves interpretation of variants in research participants for the purpose of population health screening. Participant phenotype was not available at the time of variant classification. Additional details can be found in publication PMID: 35346344, PMCID: PMC8962531

Color Diagnostics, LLC DBA Color Health
Classification: Likely benign for Hereditary cancer-predisposing syndrome. Last evaluated: 2019-07-01. Review status: criteria provided, single submitter. Criteria: ACMG Guidelines, 2015. Collection method: clinical testing. Allele origin: germline.

Ambry Genetics
Classification: Likely benign for Hereditary cancer-predisposing syndrome. Last evaluated: 2017-05-31. Review status: criteria provided, single submitter. Criteria: Ambry Variant Classification Scheme 2023. Collection method: clinical testing. Allele origin: germline.